The following is an entry in ClinVar:

NC_000016.10:g.18035C>T

Variant type: single nucleotide variant.
Genome position: GRCh38 VCF-style: chr16-18035-C-T. GRCh37 (hg19) VCF-style: chr16-68035-C-T.
Identifiers: ClinVar variation 5039211 (VCV005039211.1).
Genomic context (GRCh38, chr16:18,035, plus strand): 5'-GCCCTTGATCTTCTCAATCTTGGCCTGGGCCAAGGAGACCTTCTCTCCAATGGCCTGCAC[C>T]TGGCTCCGGCTCTGCTCTACCTGCTGGGAGATCCTGCCATGGAGAAGATCACAGAGGCTG-3'

ClinVar aggregate classification (germline): Likely benign (1 of 4 stars; one submission).

Submission:

CeGaT Center for Human Genetics Tuebingen
Classification: Likely benign. Last evaluated: 2026-08-01. Review status: criteria provided, single submitter. Criteria: CeGaT Center For Human Genetics Tuebingen Variant Classification Criteria Version 2. Collection method: clinical testing. Allele origin: germline. Affected: yes. Observed: 1 variant allele.
Comment: WASH4P: BP4, BP7